The following is an entry in ClinVar:

NM_080680.3(COL11A2):c.2883A>G (p.Gly961=)

Gene: COL11A2 (collagen type XI alpha 2 chain; minus strand). Cytogenetic location: 6p21.32.
Variant type: single nucleotide variant.
Coding change: c.2883A>G on transcript NM_080680.3 (MANE Select); coding-DNA position 2883, A replaced by G.
Protein change: p.Gly961=; no amino-acid change (glycine 961 retained).
Molecular consequence: synonymous variant.
Genome position (GRCh38, 1-based): chr6:33,172,545, T>C on the plus strand (A>G on the coding strand, the complement: COL11A2 is on the minus strand). VCF-style: chr6-33172545-T-C. GRCh37 (hg19) VCF-style: chr6-33140322-T-C.
Other names: c.2703A>G, p.Gly901= (NM_001424108.1); c.2037A>G, p.Gly679= (NM_001424109.1); c.1857A>G, p.Gly619= (NM_001424110.1, NM_001424111.1); c.837A>G, p.Gly279= (NM_001424112.1); c.2562A>G, p.Gly854= (NM_080679.3); c.2625A>G, p.Gly875= (NM_080681.3).
Identifiers: ClinVar variation 2861536 (VCV002861536.10), dbSNP rs2534891287, ClinGen allele CA449880591.

ClinVar aggregate classification (germline): Likely benign. Review status: criteria provided, multiple submitters, no conflicts (2 of 4 stars). 2 submissions from 2 submitters: Likely benign (2). Last evaluated 2025-03-01.

Submissions (2):

CeGaT Center for Human Genetics Tuebingen
Classification: Likely benign. Last evaluated: 2025-03-01. Review status: criteria provided, single submitter. Criteria: CeGaT Center For Human Genetics Tuebingen Variant Classification Criteria Version 2. Collection method: clinical testing. Allele origin: germline. Affected: yes. Observed: 1 variant allele.
Comment: COL11A2: PM2:Supporting, BP4, BP7

Labcorp Genetics (formerly Invitae), Labcorp
Classification: Likely benign. Last evaluated: 2023-05-02. Review status: criteria provided, single submitter. Criteria: Invitae Variant Classification Sherloc (09022015). Collection method: clinical testing. Allele origin: germline.